The following is an entry in ClinVar:

NM_020738.4(KIDINS220):c.1737T>C (p.Phe579=)

Gene: KIDINS220 (kinase D interacting substrate 220; minus strand). Cytogenetic location: 2p25.1.
Variant type: single nucleotide variant.
Coding change: c.1737T>C on transcript NM_020738.4 (MANE Select); coding-DNA position 1737, T replaced by C.
Protein change: p.Phe579=; no amino-acid change (phenylalanine 579 retained).
Molecular consequence: synonymous variant. On other transcripts: non-coding transcript variant (2).
Genome position (GRCh38, 1-based): chr2:8,788,697, A>G on the plus strand (T>C on the coding strand, the complement: KIDINS220 is on the minus strand). VCF-style: chr2-8788697-A-G. GRCh37 (hg19) VCF-style: chr2-8928827-A-G.
Other names: c.1740T>C, p.Phe580= (NM_001348729.2, NM_001348731.2, NM_001348734.2 and 3 more transcripts); c.1737T>C, p.Phe579= (NM_001348732.2, NM_001348735.2, NM_001348738.2 and 3 more transcripts); c.1611T>C, p.Phe537= (NM_001348736.2).
Identifiers: ClinVar variation 3043023 (VCV003043023.3), dbSNP rs370859519, ClinGen allele CA1520113.

ClinVar aggregate classification (germline): Likely benign. Review status: criteria provided, single submitter (1 of 4 stars). 2 submissions from 2 submitters: Likely benign (1). 1 of the submissions does not count toward it. Last evaluated 2026-01-08.

Conditions:
KIDINS220-related disorder. Also called: KIDINS220-related condition.

Allele frequency attached by ClinVar (database versions not stated): ExAC 0.00005; TOPMed 0.00006; gnomAD 0.00009; gnomAD exomes 0.00011; ESP Exome Variant Server 0.00033.
gnomAD v4.1: 177 of 1,614,108 alleles (0.011%); highest among the groups gnomAD compares: Non-Finnish European, 0.014%; 1 homozygote.

Submissions (2):

Labcorp Genetics (formerly Invitae), Labcorp
Classification: Likely benign. Last evaluated: 2026-01-08. Review status: criteria provided, single submitter. Criteria: Invitae Variant Classification Sherloc (09022015). Collection method: clinical testing. Allele origin: germline.

PreventionGenetics, part of Exact Sciences
Classification: Likely benign for KIDINS220-related condition. Last evaluated: 2021-08-27. Review status: no assertion criteria provided. Collection method: clinical testing. Allele origin: germline. Not counted in ClinVar's aggregate classification.
Comment: This variant is classified as likely benign based on ACMG/AMP sequence variant interpretation guidelines (Richards et al. 2015 PMID: 25741868, with internal and published modifications).